The following is an entry in ClinVar:

NM_004304.5(ALK):c.3383G>C (p.Gly1128Ala)

Gene: ALK (ALK receptor tyrosine kinase; minus strand). Cytogenetic location: 2p23.2.
Variant type: single nucleotide variant.
Coding change: c.3383G>C on transcript NM_004304.5 (MANE Select); coding-DNA position 3383, G replaced by C.
Protein change: p.Gly1128Ala; replaces glycine 1128 with alanine.
Molecular consequence: missense variant.
Genome position (GRCh38, 1-based): chr2:29,222,584, C>G on the plus strand (G>C on the coding strand, the complement: ALK is on the minus strand). VCF-style: chr2-29222584-C-G. GRCh37 (hg19) VCF-style: chr2-29445450-C-G.
Other names: c.179G>C, p.Gly60Ala (NM_001353765.2); short protein forms G1128A, G60A.
Identifiers: ClinVar variation 18084 (VCV000018084.7), dbSNP rs113994088, ClinGen allele CA341484.

ClinVar aggregate classification (germline): Pathogenic; risk factor. Review status: no assertion criteria provided (0 of 4 stars). 3 submissions from 3 submitters: Pathogenic (1). 1 of the submissions does not count toward it. Last evaluated 2015-10-07.
ClinVar aggregate classification (somatic clinical impact): Tier I - Strong (1 of 4 stars; one submission).

Conditions:
Neuroblastoma, susceptibility to, 3. Also called: ALK-Related Neuroblastic Tumor Susceptibility. Identifiers: Orphanet 635, MedGen C2751681, MONDO:0013083, OMIM 613014.
Neuroblastoma (NB). Identifiers: Orphanet 635, MedGen C0027819, MeSH D009447, MONDO:0005072, HP:0003006.

Submissions (4):

Institute for Genomic Medicine (IGM) Clinical Laboratory, Nationwide Children's Hospital
Classification: Tier I - Strong for Neuroblastoma. Assertion type: diagnostic. Clinical significance: supports diagnosis. Last evaluated: 2025-05-12. Review status: criteria provided, single submitter. Criteria: AMP/ASCO/CAP Guidelines, 2017. Collection method: clinical testing. Allele origin: somatic. Affected: yes.
Comment: Variant has Tier I (strong) clinical significance as a diagnostic inclusion criterion in neuroblastoma, based on the following evidence: 1) Documented in one or more cancer databases (e.g., St. Jude Pecan, COSMIC, CIViC, OncoKB). 2) Appears in one or more well-established professional guidelines (e.g., World Health Organization [WHO]; National Comprehensive Cancer Network [NCCN]) as providing diagnostic, prognostic, or therapeutic information. 3) Information in the literature supports potential biologic effect of variant (PMID: 25517749). 4) Diagnostic for a specific tumor type/classification based on well-powered studies with expert-level consensus (Evidence Level B; PMIDs: 23334666, 33056981, 30523111).

Genomic Diagnostic Laboratory, Division of Genomic Diagnostics, Children's Hospital of Philadelphia
Classification: Pathogenic for Neuroblastoma, susceptibility to, 3. Last evaluated: 2015-10-07. Review status: no assertion criteria provided. Collection method: clinical testing. Allele origin: inherited. Affected: yes. Observed: 6 variant alleles.
Comment: Clinical Testing

OMIM
Classification: risk factor for NEUROBLASTOMA, SUSCEPTIBILITY TO, 3. Last evaluated: 2008-10-16. Review status: no assertion criteria provided. Collection method: literature only. Allele origin: germline.

GeneReviews
No classification provided. Condition: Neuroblastoma, susceptibility to, 3. Review status: no classification provided. Collection method: literature only. Allele origin: germline. Not counted in ClinVar's aggregate classification.

Literature cited by the submitters: PubMed 25517749 (cited by Institute for Genomic Medicine (IGM) Clinical Laboratory, Nationwide Children's Hospital); PubMed 23334666 (cited by Institute for Genomic Medicine (IGM) Clinical Laboratory, Nationwide Children's Hospital); PubMed 33056981 (cited by Institute for Genomic Medicine (IGM) Clinical Laboratory, Nationwide Children's Hospital); PubMed 30523111 (cited by Institute for Genomic Medicine (IGM) Clinical Laboratory, Nationwide Children's Hospital); PubMed 18724359 (cited by OMIM); NCBI Bookshelf NBK24599 (cited by GeneReviews).